The following is an entry in ClinVar:

ClinVar aggregate classification (germline): Uncertain significance. Review status: criteria provided, multiple submitters, no conflicts (2 of 4 stars). 2 submissions from 2 submitters: Uncertain significance (2). Last evaluated 2024-03-13.

Conditions:
Charcot-Marie-Tooth disease type 2. Also called: Charcot-Marie-Tooth type 2. Identifiers: Orphanet 64746, MedGen C0270914, MONDO:0018993.

Allele frequency attached by ClinVar (database versions not stated): TOPMed below 0.00001; gnomAD exomes 0.00001; ExAC 0.00002.
gnomAD v4.1: 10 of 1,612,532 alleles (0.00062%); highest among the groups gnomAD compares: Non-Finnish European, 0.00085%; no homozygotes.

Submissions (2):

Labcorp Genetics (formerly Invitae), Labcorp
Classification: Uncertain significance for Charcot-Marie-Tooth disease type 2. Last evaluated: 2024-03-13. Review status: criteria provided, single submitter. Criteria: Invitae Variant Classification Sherloc (09022015). Collection method: clinical testing. Allele origin: germline.
Comment: This sequence change replaces threonine, which is neutral and polar, with isoleucine, which is neutral and non-polar, at codon 78 of the BSCL2 protein (p.Thr78Ile). This variant is present in population databases (rs750176844, gnomAD 0.002%). This variant has not been reported in the literature in individuals affected with BSCL2-related conditions. ClinVar contains an entry for this variant (Variation ID: 1176286). Advanced modeling of protein sequence and biophysical properties (such as structural, functional, and spatial information, amino acid conservation, physicochemical variation, residue mobility, and thermodynamic stability) performed at Invitae indicates that this missense variant is not expected to disrupt BSCL2 protein function with a negative predictive value of 80%. In summary, the available evidence is currently insufficient to determine the role of this variant in disease. Therefore, it has been classified as a Variant of Uncertain Significance.

CeGaT Center for Human Genetics Tuebingen
Classification: Uncertain significance. Last evaluated: 2021-06-01. Review status: criteria provided, single submitter. Criteria: CeGaT Center For Human Genetics Tuebingen Variant Classification Criteria Version 2. Collection method: clinical testing. Allele origin: germline. Affected: yes. Observed: 1 variant allele.

NM_001122955.4(BSCL2):c.425C>T (p.Thr142Ile)

Genes: HNRNPUL2-BSCL2 (HNRNPUL2-BSCL2 readthrough (NMD candidate); minus strand), BSCL2 (BSCL2 lipid droplet biogenesis associated, seipin; minus strand). Cytogenetic location: 11q12.3.
Variant type: single nucleotide variant.
Coding change: c.425C>T on transcript NM_001122955.4 (MANE Select); coding-DNA position 425, C replaced by T.
Protein change: p.Thr142Ile; replaces threonine 142 with isoleucine.
Molecular consequence: missense variant. On other transcripts: non-coding transcript variant (1).
Genome position (GRCh38, 1-based): chr11:62,702,529, G>A on the plus strand (C>T on the coding strand, the complement: BSCL2 is on the minus strand). VCF-style: chr11-62702529-G-A. GRCh37 (hg19) VCF-style: chr11-62470001-G-A.
Other names: c.233C>T, p.Thr78Ile (NM_001130702.2, NM_032667.6); c.425C>T, p.Thr142Ile (NM_001386027.1, NM_001386028.1); short protein forms T142I, T78I.
Identifiers: ClinVar variation 1176286 (VCV001176286.37), dbSNP rs750176844, ClinGen allele CA6053575.